The following is an entry in ClinVar:

ClinVar aggregate classification (germline): Uncertain significance (1 of 4 stars; one submission).

Conditions:
Emery-Dreifuss muscular dystrophy 5, autosomal dominant (EDMD5). Also called: EMERY-DREIFUSS MUSCULAR DYSTROPHY 5. Identifiers: Orphanet 261, MedGen C2751805, MONDO:0013072, OMIM 612999.

Submission:

Labcorp Genetics (formerly Invitae), Labcorp
Classification: Uncertain significance for Emery-Dreifuss muscular dystrophy 5, autosomal dominant. Last evaluated: 2025-03-19. Review status: criteria provided, single submitter. Criteria: Invitae Variant Classification Sherloc (09022015). Collection method: clinical testing. Allele origin: germline.
Comment: This sequence change creates a premature translational stop signal (p.His6431Argfs*19) in the SYNE2 gene. It is expected to result in an absent or disrupted protein product. However, the current clinical and genetic evidence is not sufficient to establish whether loss-of-function variants in SYNE2 cause disease. This variant is not present in population databases (gnomAD no frequency). This variant has not been reported in the literature in individuals affected with SYNE2-related conditions. In summary, the available evidence is currently insufficient to determine the role of this variant in disease. Therefore, it has been classified as a Variant of Uncertain Significance.

NM_182914.3(SYNE2):c.19290_19291del (p.His6431fs)

Gene: SYNE2 (spectrin repeat containing nuclear envelope protein 2; plus strand). Cytogenetic location: 14q23.2.
Variant type: Microsatellite.
Coding change: c.19290_19291del on transcript NM_182914.3 (MANE Select); coding-DNA positions 19290 to 19291, 2 bases deleted (TC; older notation c.19290_19291delTC).
Protein change: p.His6431fs; shifts the reading frame from histidine 6431.
Molecular consequence: frameshift variant.
Genome position (GRCh38, 1-based): chr14:64,214,427-64,214,428, TC deleted; deleting any 2 consecutive bases within chr14:64,214,424-64,214,428 gives the same sequence; the c. name uses the placement nearest the transcript's 3' end. VCF-style (leftmost placement, unchanged base first): chr14-64214423-CCT-C. GRCh37 (hg19) VCF-style: chr14-64681141-CCT-C.
Other names: c.19290_19291del, p.His6431fs (NM_015180.6); c.192_193del, p.His65fs (NM_182913.4); short protein forms H6431fs, H65fs.
Identifiers: ClinVar variation 4773407 (VCV004773407.1).